The following is an entry in ClinVar:

NM_001160372.4(TRAPPC9):c.1194C>T (p.Ile398=)

Gene: TRAPPC9 (trafficking protein particle complex subunit 9; minus strand). Cytogenetic location: 8q24.3.
Variant type: single nucleotide variant.
Coding change: c.1194C>T on transcript NM_001160372.4 (MANE Select); coding-DNA position 1194, C replaced by T.
Protein change: p.Ile398=; no amino-acid change (isoleucine 398 retained).
Molecular consequence: synonymous variant. On other transcripts: non-coding transcript variant (1).
Genome position (GRCh38, 1-based): chr8:140,371,121, G>A on the plus strand (C>T on the coding strand, the complement: TRAPPC9 is on the minus strand). VCF-style: chr8-140371121-G-A. GRCh37 (hg19) VCF-style: chr8-141381220-G-A.
Other names: c.1488C>T (NM_031466.7); c.1167C>T, p.Ile389= (NM_001321646.2); c.1215C>T, p.Ile405= (NM_001374682.1); c.1194C>T, p.Ile398= (NM_001374683.1, NM_001374684.1, NM_031466.8).
Identifiers: ClinVar variation 130620 (VCV000130620.36), dbSNP rs587780484, ClinGen allele CA231572.

ClinVar aggregate classification (germline): Conflicting classifications of pathogenicity. Review status: criteria provided, conflicting classifications (1 of 4 stars). 4 submissions from 4 submitters: Uncertain significance (1); Likely benign (2). 1 of the submissions does not count toward it. Last evaluated 2025-02-10.

Conditions:
TRAPPC9-related disorder. Also called: TRAPPC9-related condition.

Allele frequency attached by ClinVar (database versions not stated): gnomAD 0.00011 and 0.00012; TOPMed 0.00012; ExAC 0.00013.
gnomAD v4.1: 233 of 1,614,148 alleles (0.014%); highest among the groups gnomAD compares: Non-Finnish European, 0.019%; no homozygotes.

Submissions (4):

Labcorp Genetics (formerly Invitae), Labcorp
Classification: Likely benign. Last evaluated: 2025-02-10. Review status: criteria provided, single submitter. Criteria: Invitae Variant Classification Sherloc (09022015). Collection method: clinical testing. Allele origin: germline.

CeGaT Center for Human Genetics Tuebingen
Classification: Likely benign. Last evaluated: 2024-01-01. Review status: criteria provided, single submitter. Criteria: CeGaT Center For Human Genetics Tuebingen Variant Classification Criteria Version 2. Collection method: clinical testing. Allele origin: germline. Affected: yes. Observed: 1 variant allele.
Comment: TRAPPC9: BP4, BP7

Genetic Services Laboratory, University of Chicago
Classification: Uncertain significance. Last evaluated: 2013-04-01. Review status: criteria provided, single submitter. Criteria: ACMG Guidelines, 2007. Collection method: clinical testing. Allele origin: germline. Inheritance: Autosomal recessive inheritance.

PreventionGenetics, part of Exact Sciences
Classification: Likely benign for TRAPPC9-related condition. Last evaluated: 2019-03-13. Review status: no assertion criteria provided. Collection method: clinical testing. Allele origin: germline. Not counted in ClinVar's aggregate classification.
Comment: This variant is classified as likely benign based on ACMG/AMP sequence variant interpretation guidelines (Richards et al. 2015 PMID: 25741868, with internal and published modifications).